The following is an entry in ClinVar:

ClinVar aggregate classification (germline): Uncertain significance (1 of 4 stars; one submission).

Conditions:
Werner syndrome (WRN). Identifiers: Orphanet 902, MedGen C0043119, MONDO:0010196, OMIM 277700.

Allele frequency attached by ClinVar (database versions not stated): TOPMed below 0.00001; gnomAD 0.00001; gnomAD exomes 0.00001; ExAC 0.00002.
gnomAD v4.1: 6 of 1,612,440 alleles (0.00037%); highest among the groups gnomAD compares: South Asian, 0.0044%; no homozygotes.

Submission:

Labcorp Genetics (formerly Invitae), Labcorp
Classification: Uncertain significance for Werner syndrome. Last evaluated: 2021-07-08. Review status: criteria provided, single submitter. Criteria: Invitae Variant Classification Sherloc (09022015). Collection method: clinical testing. Allele origin: germline.
Comment: This sequence change falls in intron 16 of the WRN gene. It does not directly change the encoded amino acid sequence of the WRN protein. It affects a nucleotide within the consensus splice site of the intron. The frequency data for this variant in the population databases is considered unreliable, as metrics indicate poor data quality at this position in the ExAC database. This variant has not been reported in the literature in individuals with WRN-related conditions. Nucleotide substitutions within the consensus splice site are a relatively common cause of aberrant splicing (PMID: 17576681, 9536098). Algorithms developed to predict the effect of sequence changes on RNA splicing suggest that this variant may disrupt the consensus splice site, but this prediction has not been confirmed by published transcriptional studies. In summary, the available evidence is currently insufficient to determine the role of this variant in disease. Therefore, it has been classified as a Variant of Uncertain Significance.

Literature cited by the submitters: PubMed 17576681; PubMed 9536098.

NM_000553.6(WRN):c.1898+5G>A

Gene: WRN (WRN RecQ like helicase; plus strand). Cytogenetic location: 8p12.
Variant type: single nucleotide variant.
Coding change: c.1898+5G>A on transcript NM_000553.6 (MANE Select); 5 bases into the intron after coding-DNA position 1898, G replaced by A.
Molecular consequence: intron variant.
Genome position (GRCh38, 1-based): chr8:31,091,903, G>A. VCF-style: chr8-31091903-G-A. GRCh37 (hg19) VCF-style: chr8-30949419-G-A.
Identifiers: ClinVar variation 1441011 (VCV001441011.6), dbSNP rs775691856, ClinGen allele CA4704523.